The following is an entry in ClinVar:

ClinVar aggregate classification (germline): Uncertain significance (1 of 4 stars; one submission).

Conditions:
Familial adenomatous polyposis 1 (FAP1). Also called: POLYPOSIS, ADENOMATOUS INTESTINAL; FAMILIAL ADENOMATOUS POLYPOSIS 1, ATTENUATED. Identifiers: MedGen C2713442, MONDO:0021056, OMIM 175100. Disease mechanism: loss of function.

gnomAD v4.1: 1 of 1,612,554 alleles (0.000062%); no homozygotes.

Submission:

Labcorp Genetics (formerly Invitae), Labcorp
Classification: Uncertain significance for Familial adenomatous polyposis 1. Last evaluated: 2024-02-17. Review status: criteria provided, single submitter. Criteria: Invitae Variant Classification Sherloc (09022015). Collection method: clinical testing. Allele origin: germline.
Comment: This sequence change replaces lysine, which is basic and polar, with isoleucine, which is neutral and non-polar, at codon 1796 of the APC protein (p.Lys1796Ile). This variant is not present in population databases (gnomAD no frequency). This variant has not been reported in the literature in individuals affected with APC-related conditions. ClinVar contains an entry for this variant (Variation ID: 967920). Advanced modeling of protein sequence and biophysical properties (such as structural, functional, and spatial information, amino acid conservation, physicochemical variation, residue mobility, and thermodynamic stability) performed at Invitae indicates that this missense variant is not expected to disrupt APC protein function with a negative predictive value of 95%. In summary, the available evidence is currently insufficient to determine the role of this variant in disease. Therefore, it has been classified as a Variant of Uncertain Significance.

NM_000038.6(APC):c.5387A>T (p.Lys1796Ile)

Gene: APC (APC regulator of Wnt signaling pathway; plus strand). Cytogenetic location: 5q22.2.
Variant type: single nucleotide variant.
Coding change: c.5387A>T on transcript NM_000038.6 (MANE Select); coding-DNA position 5387, A replaced by T.
Protein change: p.Lys1796Ile; replaces lysine 1796 with isoleucine.
Molecular consequence: missense variant.
Genome position (GRCh38, 1-based): chr5:112,840,981, A>T. VCF-style: chr5-112840981-A-T. GRCh37 (hg19) VCF-style: chr5-112176678-A-T.
Other names: c.5387A>T, p.Lys1796Ile (NM_001127510.3, NM_001354895.2); c.5333A>T, p.Lys1778Ile (NM_001127511.3); c.5441A>T, p.Lys1814Ile (NM_001354896.2); c.5417A>T, p.Lys1806Ile (NM_001354897.2); c.5312A>T, p.Lys1771Ile (NM_001354898.2); c.5303A>T, p.Lys1768Ile (NM_001354899.2); c.5264A>T, p.Lys1755Ile (NM_001354900.2); c.5210A>T, p.Lys1737Ile (NM_001354901.2); and 5 more; short protein forms K1737I, K1755I, K1513I, K1695I, K1796I, K1670I, K1705I, K1768I.
Identifiers: ClinVar variation 967920 (VCV000967920.11), dbSNP rs1765942550, ClinGen allele CA16033105.